The following is an entry in ClinVar:

ClinVar aggregate classification (germline): Uncertain significance (1 of 4 stars; one submission).

Conditions:
Familial thoracic aortic aneurysm and aortic dissection (TAAD). Also called: Thoracic aortic aneurysms and dissections. Identifiers: Orphanet 91387, MedGen C4707243, MONDO:0019625.
Hereditary cancer-predisposing syndrome. Also called: Tumor predisposition; Neoplastic Syndromes, Hereditary; Hereditary neoplastic syndrome; Hereditary Cancer Syndrome. Identifiers: Orphanet 140162, MedGen C0027672, MeSH D009386, MONDO:0015356.

Submission:

Ambry Genetics
Classification: Uncertain significance for Hereditary cancer-predisposing syndrome; Familial thoracic aortic aneurysm and aortic dissection. Last evaluated: 2024-07-12. Review status: criteria provided, single submitter. Criteria: Ambry Variant Classification Scheme 2023. Collection method: clinical testing. Allele origin: germline.
Comment: The c.1103_1114del12 variant (also known as p.S368_R372delinsW) is located in coding exon 8 of the SMAD4 gene. This variant results from an in-frame deletion of 12 nucleotides (CCAATGTCCACA) at positions 1103 to 1114. This results in the deletions of 5 amino acids (SNVHR) and the insertion of a tryptophan at codons 368 to 372. This variant has been observed in at least one individual with a personal and/or family history that is consistent with juvenile polyposis/hereditary hemorrhagic telangiectasia syndrome (Ambry internal data). Based on internal structural analysis, p.S368_R372del is deleterious (Ambry internal data). This amino acid region is highly conserved in available vertebrate species. In addition, this alteration is predicted to be deleterious by in silico analysis (Choi Y et al. PLoS ONE. 2012; 7(10):e46688). Based on the available evidence, the clinical significance of this variant remains unclear.

NM_005359.6(SMAD4):c.1103_1114del (p.Ser368_Arg372delinsTrp)

Gene: SMAD4 (SMAD family member 4; plus strand). Cytogenetic location: 18q21.2.
Variant type: Deletion.
Coding change: c.1103_1114del on transcript NM_005359.6 (MANE Select); coding-DNA positions 1103 to 1114, 12 bases deleted (CCAATGTCCACA).
Protein change: p.Ser368_Arg372delinsTrp.
Molecular consequence: inframe indel. On other transcripts: non-coding transcript variant (2).
Genome position (GRCh38, 1-based): chr18:51,065,570-51,065,581, CCAATGTCCACA deleted. VCF-style (leftmost placement, unchanged base first): chr18-51065569-TCCAATGTCCACA-T. GRCh37 (hg19) VCF-style: chr18-48591939-TCCAATGTCCACA-T.
Other names: c.1103_1114del12 (NM_005359.5); c.1103_1114del, p.Ser368_Arg372delinsTrp (NM_001407041.1, NM_001407042.1, NM_001407043.1).
Identifiers: ClinVar variation 3445834 (VCV003445834.1).